The following is an entry in ClinVar:

NM_001903.5(CTNNA1):c.357G>A (p.Val119=)

Gene: CTNNA1 (catenin alpha 1; plus strand). Cytogenetic location: 5q31.2.
Variant type: single nucleotide variant.
Coding change: c.357G>A on transcript NM_001903.5 (MANE Select); coding-DNA position 357, G replaced by A.
Protein change: p.Val119=; no amino-acid change (valine 119 retained).
Molecular consequence: synonymous variant. On other transcripts: intron variant (1).
Genome position (GRCh38, 1-based): chr5:138,810,093, G>A. VCF-style: chr5-138810093-G-A. GRCh37 (hg19) VCF-style: chr5-138145782-G-A.
Other names: c.357G>A, p.Val119= (NM_001290307.3, NM_001323982.2, NM_001323983.1 and 3 more transcripts); c.48G>A, p.Val16= (NM_001290309.3); c.-5-8G>A (NM_001290310.3); c.357G>A (NM_001903.4).
Identifiers: ClinVar variation 699672 (VCV000699672.18), dbSNP rs142395231, ClinGen allele CA3431429.

ClinVar aggregate classification (germline): Benign/Likely benign. Review status: criteria provided, multiple submitters, no conflicts (2 of 4 stars). 6 submissions from 6 submitters: Benign (1); Likely benign (5). Last evaluated 2026-01-31.

Conditions:
Hereditary cancer-predisposing syndrome. Also called: Neoplastic Syndromes, Hereditary; Tumor predisposition; Hereditary Cancer Syndrome; Hereditary neoplastic syndrome. Identifiers: Orphanet 140162, MedGen C0027672, MeSH D009386, MONDO:0015356.
Hereditary diffuse gastric adenocarcinoma (HDGC). Also called: DIFFUSE GASTRIC AND LOBULAR BREAST CANCER SYNDROME. Identifiers: Orphanet 26106, MedGen C1708349, MONDO:0007648, OMIM 137215.
CTNNA1-related disorder. Also called: CTNNA1-related condition.

Allele frequency attached by ClinVar (database versions not stated): TOPMed 0.00007; gnomAD 0.00009 and 0.00010; gnomAD exomes 0.00009 and 0.00011; ExAC 0.00011; ESP Exome Variant Server 0.00031.
gnomAD v4.1: 149 of 1,614,056 alleles (0.0092%); highest among the groups gnomAD compares: Non-Finnish European, 0.012%; no homozygotes.

Submissions (6):

Labcorp Genetics (formerly Invitae), Labcorp
Classification: Likely benign. Last evaluated: 2026-01-31. Review status: criteria provided, single submitter. Criteria: Invitae Variant Classification Sherloc (09022015). Collection method: clinical testing. Allele origin: germline.

PreventionGenetics, part of Exact Sciences
Classification: Likely benign for CTNNA1-related condition. Last evaluated: 2025-05-05. Review status: criteria provided, single submitter. Criteria: ACMG Guidelines, 2015. Collection method: clinical testing. Allele origin: germline.
Comment: This variant is classified as likely benign based on ACMG/AMP sequence variant interpretation guidelines (Richards et al. 2015 PMID: 25741868, with internal and published modifications).

Myriad Genetics, Inc.
Classification: Benign for Hereditary diffuse gastric adenocarcinoma. Last evaluated: 2024-10-09. Review status: criteria provided, single submitter. Criteria: Myriad Autosomal Dominant, Autosomal Recessive and X-Linked Classification Criteria (2023). Collection method: clinical testing. Allele origin: unknown.
Comment: This variant is considered benign. This variant is a silent/synonymous amino acid change and it is not expected to impact splicing.

Blueprint Genetics
Classification: Likely benign. Last evaluated: 2023-04-04. Review status: criteria provided, single submitter. Criteria: ACMG Guidelines, 2015. Collection method: clinical testing. Allele origin: germline.

Ambry Genetics
Classification: Likely benign for Hereditary cancer-predisposing syndrome. Last evaluated: 2018-11-05. Review status: criteria provided, single submitter. Criteria: Ambry Variant Classification Scheme 2023. Collection method: clinical testing. Allele origin: germline.

Breakthrough Genomics
Classification: Likely benign. Review status: criteria provided, single submitter. Criteria: ACMG Guidelines, 2015. Collection method: not provided. Allele origin: germline. Inheritance: Autosomal dominant inheritance. Affected: yes.